The following is an entry in ClinVar:

ClinVar aggregate classification (germline): Likely pathogenic (1 of 4 stars; one submission).

Submission:

GeneDx
Classification: Likely pathogenic. Last evaluated: 2019-10-30. Review status: criteria provided, single submitter. Criteria: GeneDx Variant Classification (06012015). Collection method: clinical testing. Allele origin: germline. Affected: yes.
Comment: The L367P variant is not observed in large population cohorts (Lek et al., 2016). In silico analysis, which includes protein predictors and evolutionary conservation, supports a deleterious effect. Therefore, we interpret L367P as a likely pathogenic variant.

NM_032776.3(JMJD1C):c.1100T>C (p.Leu367Pro)

Gene: JMJD1C (jumonji domain containing 1C; minus strand). Cytogenetic location: 10q21.3.
Variant type: single nucleotide variant.
Coding change: c.1100T>C on transcript NM_032776.3 (MANE Select); coding-DNA position 1100, T replaced by C.
Protein change: p.Leu367Pro; replaces leucine 367 with proline.
Molecular consequence: missense variant. On other transcripts: non-coding transcript variant (1).
Genome position (GRCh38, 1-based): chr10:63,215,067, A>G on the plus strand (T>C on the coding strand, the complement: JMJD1C is on the minus strand). VCF-style: chr10-63215067-A-G. GRCh37 (hg19) VCF-style: chr10-64974827-A-G.
Other names: c.554T>C, p.Leu185Pro (NM_001282948.2, NM_001318154.2); c.236T>C, p.Leu79Pro (NM_001318153.2); c.986T>C, p.Leu329Pro (NM_001322252.2); c.443T>C, p.Leu148Pro (NM_001322254.2, NM_001322258.2); short protein forms L148P, L185P, L329P, L367P, L79P.
Identifiers: ClinVar variation 804313 (VCV000804313.1), dbSNP rs1589170008, ClinGen allele CA377050556.